The following is an entry in ClinVar:

ClinVar aggregate classification (germline): Uncertain significance (1 of 4 stars; one submission).

Allele frequency attached by ClinVar (database versions not stated): gnomAD 0.00001; TOPMed 0.00001.
gnomAD v4.1: 24 of 1,613,914 alleles (0.0015%); highest among the groups gnomAD compares: Non-Finnish European, 0.0019%; no homozygotes.

Submission:

Labcorp Genetics (formerly Invitae), Labcorp
Classification: Uncertain significance. Last evaluated: 2026-01-05. Review status: criteria provided, single submitter. Criteria: Invitae Variant Classification Sherloc (09022015). Collection method: clinical testing. Allele origin: germline.
Comment: This sequence change replaces alanine, which is neutral and non-polar, with glycine, which is neutral and non-polar, at codon 126 of the KLF10 protein (p.Ala126Gly). This variant is present in population databases (rs759149957, gnomAD 0.003%). This variant has not been reported in the literature in individuals affected with KLF10-related conditions. ClinVar contains an entry for this variant (Variation ID: 2054707). An algorithm developed to predict the effect of missense changes on protein structure and function (PolyPhen-2) suggests that this variant is likely to be tolerated. In summary, the available evidence is currently insufficient to determine the role of this variant in disease. Therefore, it has been classified as a Variant of Uncertain Significance.

NM_005655.4(KLF10):c.377C>G (p.Ala126Gly)

Gene: KLF10 (KLF transcription factor 10; minus strand). Cytogenetic location: 8q22.3.
Variant type: single nucleotide variant.
Coding change: c.377C>G on transcript NM_005655.4 (MANE Select); coding-DNA position 377, C replaced by G.
Protein change: p.Ala126Gly; replaces alanine 126 with glycine.
Molecular consequence: missense variant.
Genome position (GRCh38, 1-based): chr8:102,651,955, G>C on the plus strand (C>G on the coding strand, the complement: KLF10 is on the minus strand). VCF-style: chr8-102651955-G-C. GRCh37 (hg19) VCF-style: chr8-103664183-G-C.
Other names: c.344C>G, p.Ala115Gly (NM_001032282.4); short protein forms A115G, A126G.
Identifiers: ClinVar variation 2054707 (VCV002054707.4), dbSNP rs759149957, ClinGen allele CA4833621.